The following is an entry in ClinVar:

ClinVar aggregate classification (germline): Benign (1 of 4 stars; one submission).

Conditions:
Peutz-Jeghers syndrome (PJS). Also called: POLYPOSIS, HAMARTOMATOUS INTESTINAL; POLYPS-AND-SPOTS SYNDROME; Peutz-Jeghers polyposis; Periorificial lentiginosis syndrome. Identifiers: Orphanet 2869, MedGen C0031269, MeSH D010580, MONDO:0008280, OMIM 175200.

Submission:

Myriad Genetics, Inc.
Classification: Benign for Peutz-Jeghers syndrome. Last evaluated: 2025-03-26. Review status: criteria provided, single submitter. Criteria: Myriad Autosomal Dominant, Autosomal Recessive and X-Linked Classification Criteria (2023). Collection method: clinical testing. Allele origin: unknown.
Comment: This variant is considered benign. This variant is a silent/synonymous amino acid change and it is not expected to impact splicing.

NM_000455.5(STK11):c.660G>A (p.Gln220=)

Gene: STK11 (serine/threonine kinase 11; plus strand). Cytogenetic location: 19p13.3.
Variant type: single nucleotide variant.
Coding change: c.660G>A on transcript NM_000455.5 (MANE Select); coding-DNA position 660, G replaced by A.
Protein change: p.Gln220=; no amino-acid change (glutamine 220 retained).
Molecular consequence: synonymous variant. On other transcripts: non-coding transcript variant (1).
Genome position (GRCh38, 1-based): chr19:1,220,643, G>A. VCF-style: chr19-1220643-G-A. GRCh37 (hg19) VCF-style: chr19-1220642-G-A.
Other names: c.660G>A, p.Gln220= (NM_001407255.1).
Identifiers: ClinVar variation 3903492 (VCV003903492.1).